The following is an entry in ClinVar:

ClinVar aggregate classification (germline): Uncertain significance. Review status: criteria provided, multiple submitters, no conflicts (2 of 4 stars). 5 submissions from 5 submitters: Uncertain significance (5). Last evaluated 2025-08-06.

Conditions:
Inborn genetic diseases. Identifiers: MedGen C0950123, MeSH D030342.
ALDH18A1-related de Barsy syndrome. Also called: DE BARSY SYNDROME A; Cutis laxa, autosomal recessive IIIA. Identifiers: Orphanet 2962, Orphanet 35664, MedGen C5234852, MONDO:0009053, OMIM 219150.
Cutis laxa, autosomal dominant 3 (ADCL3). Identifiers: Orphanet 90348, MedGen C4225268, MONDO:0014706, OMIM 616603.
Autosomal dominant spastic paraplegia type 9. Identifiers: MedGen C1832669, MONDO:0015091.
de Barsy syndrome. Also called: Cutis laxa-corneal clouding-oligophrenia syndrome. Identifiers: Orphanet 2962, MedGen C0268354, MONDO:0017569.

Allele frequency attached by ClinVar (database versions not stated): gnomAD 0.00001; ExAC 0.00002; TOPMed 0.00002; gnomAD exomes 0.00003.
gnomAD v4.1: 40 of 1,613,862 alleles (0.0025%); highest among the groups gnomAD compares: Admixed American, 0.0083%; no homozygotes.

Submissions (5):

Ambry Genetics
Classification: Uncertain significance for Inborn genetic diseases. Last evaluated: 2025-08-06. Review status: criteria provided, single submitter. Criteria: Ambry Variant Classification Scheme 2023. Collection method: clinical testing. Allele origin: germline.

Labcorp Genetics (formerly Invitae), Labcorp
Classification: Uncertain significance for Autosomal dominant spastic paraplegia type 9; de Barsy syndrome; Cutis laxa, autosomal dominant 3. Last evaluated: 2025-02-22. Review status: criteria provided, single submitter. Criteria: Invitae Variant Classification Sherloc (09022015). Collection method: clinical testing. Allele origin: germline.
Comment: This sequence change replaces arginine, which is basic and polar, with histidine, which is basic and polar, at codon 483 of the ALDH18A1 protein (p.Arg483His). This variant is present in population databases (rs756168752, gnomAD 0.01%). This missense change has been observed in individual(s) with Alzheimer disease (PMID: 38701145). ClinVar contains an entry for this variant (Variation ID: 806553). Invitae Evidence Modeling of protein sequence and biophysical properties (such as structural, functional, and spatial information, amino acid conservation, physicochemical variation, residue mobility, and thermodynamic stability) indicates that this missense variant is expected to disrupt ALDH18A1 protein function with a positive predictive value of 95%. In summary, the available evidence is currently insufficient to determine the role of this variant in disease. Therefore, it has been classified as a Variant of Uncertain Significance.

Women's Health and Genetics/Laboratory Corporation of America, LabCorp
Classification: Uncertain significance. Last evaluated: 2024-04-04. Review status: criteria provided, single submitter. Criteria: LabCorp Variant Classification Summary - May 2015. Collection method: clinical testing. Allele origin: germline.
Comment: Variant summary: ALDH18A1 c.1448G>A (p.Arg483His) results in a non-conservative amino acid change located in the Aldehyde dehydrogenase domain (IPR015590) of the encoded protein sequence. Five of five in-silico tools predict a damaging effect of the variant on protein function. The variant allele was found at a frequency of 2.8e-05 in 251452 control chromosomes (gnomAD). The available data on variant occurrences in the general population are insufficient to allow any conclusion about variant significance. To our knowledge, no occurrence of c.1448G>A in individuals affected with ALDH18A1-Related Disorder and no experimental evidence demonstrating its impact on protein function have been reported. ClinVar contains an entry for this variant (Variation ID: 806553). Based on the evidence outlined above, the variant was classified as uncertain significance.

Baylor Genetics
Classification: Uncertain significance for ALDH18A1-related de Barsy syndrome. Last evaluated: 2019-03-05. Review status: criteria provided, single submitter. Criteria: ACMG Guidelines, 2015. Collection method: clinical testing. Allele origin: paternal. Affected: yes.
Comment: This variant was determined to be of uncertain significance according to ACMG Guidelines, 2015 [PMID:25741868].

CeGaT Center for Human Genetics Tuebingen
Classification: Uncertain significance. Last evaluated: 2018-11-01. Review status: criteria provided, single submitter. Criteria: CeGaT Center For Human Genetics Tuebingen Variant Classification Criteria Version 2. Collection method: clinical testing. Allele origin: germline. Affected: yes. Observed: 1 variant allele.

Literature cited by the submitters: PubMed 38701145 (cited by Labcorp Genetics (formerly Invitae), Labcorp).

NM_002860.4(ALDH18A1):c.1448G>A (p.Arg483His)

Gene: ALDH18A1 (aldehyde dehydrogenase 18 family member A1; minus strand). Cytogenetic location: 10q24.1.
Variant type: single nucleotide variant.
Coding change: c.1448G>A on transcript NM_002860.4 (MANE Select); coding-DNA position 1448, G replaced by A.
Protein change: p.Arg483His; replaces arginine 483 with histidine.
Molecular consequence: missense variant.
Genome position (GRCh38, 1-based): chr10:95,621,050, C>T on the plus strand (G>A on the coding strand, the complement: ALDH18A1 is on the minus strand). VCF-style: chr10-95621050-C-T. GRCh37 (hg19) VCF-style: chr10-97380807-C-T.
Other names: c.1442G>A, p.Arg481His (NM_001017423.2, NM_001323415.2); c.1115G>A, p.Arg372His (NM_001323412.2, NM_001323416.2); c.1448G>A, p.Arg483His (NM_001323413.2, NM_001323414.2); c.1343G>A, p.Arg448His (NM_001323417.2); c.1109G>A, p.Arg370His (NM_001323418.2); c.812G>A, p.Arg271His (NM_001323419.2); short protein forms R370H, R372H, R448H, R271H, R481H, R483H.
Identifiers: ClinVar variation 806553 (VCV000806553.49), dbSNP rs756168752, ClinGen allele CA5620322.